The following is an entry in ClinVar:

NM_003719.5(PDE8B):c.1698C>A (p.Ala566=)

Gene: PDE8B (phosphodiesterase 8B; plus strand). Cytogenetic location: 5q13.3.
Variant type: single nucleotide variant.
Coding change: c.1698C>A on transcript NM_003719.5 (MANE Select); coding-DNA position 1698, C replaced by A.
Protein change: p.Ala566=; no amino-acid change (alanine 566 retained).
Molecular consequence: synonymous variant.
Genome position (GRCh38, 1-based): chr5:77,412,221, C>A. VCF-style: chr5-77412221-C-A. GRCh37 (hg19) VCF-style: chr5-76708046-C-A.
Other names: p.Ala566=; c.1407C>A, p.Ala469= (NM_001029851.4); c.1533C>A, p.Ala511= (NM_001029852.4); c.1638C>A, p.Ala546= (NM_001029853.4); c.1557C>A, p.Ala519= (NM_001029854.4); c.1695C>A, p.Ala565= (NM_001349748.3, NM_001349751.3); c.1761C>A, p.Ala587= (NM_001349749.3); c.1458C>A, p.Ala486= (NM_001349750.3); and 14 more.
Identifiers: ClinVar variation 354163 (VCV000354163.41), dbSNP rs140381860, ClinGen allele CA3315328.
Genomic context (GRCh38, chr5:77,412,221, plus strand): 5'-TATCTCTCAATTACTTGATAATGAGGAGAGTTGGGACTTCAACATCTTTGAATTGGAAGC[C>A]ATTACGCATAAAAGGTATGTGACTTCTCTGGCTGAAGGCAGAGCAGGATTGATGGCCATG-3'
Protein context (NP_003710.1, residues 556-576): SWDFNIFELE[Ala566=]ITHKRPLVYL

ClinVar aggregate classification (germline): Benign/Likely benign. Review status: criteria provided, multiple submitters, no conflicts (2 of 4 stars). 6 submissions from 6 submitters: Benign (3); Likely benign (2). 1 of the submissions does not count toward it. Last evaluated 2026-01-15.

Conditions:
PDE8B-related disorder. Also called: PDE8B-related condition.
Autosomal dominant striatal neurodegeneration type 1. Identifiers: Orphanet 228169, MedGen C4310808, MONDO:0012205, OMIM 609161.

Allele frequency attached by ClinVar (database versions not stated): gnomAD 0.00242 and 0.00237; ESP Exome Variant Server 0.00384; 1000 Genomes Project 0.00140; 1000 Genomes Project 30x 0.00141; ExAC 0.00212; TOPMed 0.00241.
gnomAD v4.1: 5,418 of 1,614,004 alleles (0.34%); highest among the groups gnomAD compares: Non-Finnish European, 0.41%; 16 homozygotes.

Submissions (6):

Labcorp Genetics (formerly Invitae), Labcorp
Classification: Benign. Last evaluated: 2026-01-15. Review status: criteria provided, single submitter. Criteria: Invitae Variant Classification Sherloc (09022015). Collection method: clinical testing. Allele origin: germline.

Mayo Clinic Laboratories, Mayo Clinic
Classification: Benign. Last evaluated: 2025-08-20. Review status: criteria provided, single submitter. Criteria: ACMG Guidelines, 2015. Collection method: clinical testing. Allele origin: germline. Observed: 4 variant alleles.
Comment: BS1, BS2, BP4, BP7

Blueprint Genetics
Classification: Likely benign. Last evaluated: 2024-11-25. Review status: criteria provided, single submitter. Criteria: ACMG Guidelines, 2015. Collection method: clinical testing. Allele origin: germline.

CeGaT Center for Human Genetics Tuebingen
Classification: Likely benign. Last evaluated: 2022-08-01. Review status: criteria provided, single submitter. Criteria: CeGaT Center For Human Genetics Tuebingen Variant Classification Criteria Version 2. Collection method: clinical testing. Allele origin: germline. Affected: yes. Observed: 2 variant alleles.
Comment: PDE8B: BP4, BP7

Illumina Laboratory Services, Illumina
Classification: Benign for Autosomal dominant striatal neurodegeneration type 1. Last evaluated: 2018-01-13. Review status: criteria provided, single submitter. Criteria: ICSL Variant Classification Criteria 13 December 2019. Collection method: clinical testing. Allele origin: germline.
Comment: This variant was observed in the ICSL laboratory as part of a predisposition screen in an ostensibly healthy population. It had not been previously curated by ICSL or reported in the Human Gene Mutation Database (HGMD: prior to June 1st, 2018), and was therefore a candidate for classification through an automated scoring system. Utilizing variant allele frequency, disease prevalence and penetrance estimates, and inheritance mode, an automated score was calculated to assess if this variant is too frequent to cause the disease. Based on the score and internal cut-off values, a variant classified as benign is not then subjected to further curation. The score for this variant resulted in a classification of benign for this disease.

PreventionGenetics, part of Exact Sciences
Classification: Likely benign for PDE8B-related condition. Last evaluated: 2019-08-15. Review status: no assertion criteria provided. Collection method: clinical testing. Allele origin: germline. Not counted in ClinVar's aggregate classification.
Comment: This variant is classified as likely benign based on ACMG/AMP sequence variant interpretation guidelines (Richards et al. 2015 PMID: 25741868, with internal and published modifications).